The following is an entry in ClinVar:

ClinVar aggregate classification (germline): Pathogenic/Likely pathogenic. Review status: criteria provided, multiple submitters, no conflicts (2 of 4 stars). 2 submissions from 2 submitters: Pathogenic (1); Likely pathogenic (1). Last evaluated 2024-01-30.

Conditions:
Mowat-Wilson syndrome (MOWS). Also called: Classic Mowat-Wilson Syndrome. Identifiers: Orphanet 2152, MedGen C1856113, MONDO:0009341, OMIM 235730.

Submissions (2):

GeneDx
Classification: Pathogenic. Last evaluated: 2024-01-30. Review status: criteria provided, single submitter. Criteria: GeneDx Variant Classification Process June 2021. Collection method: clinical testing. Allele origin: germline. Affected: yes.
Comment: Frameshift variant predicted to result in protein truncation or nonsense mediated decay in a gene for which loss of function is a known mechanism of disease; Not observed at significant frequency in large population cohorts (gnomAD); This variant is associated with the following publications: (PMID: 25326637)

UCLA Clinical Genomics Center, UCLA
Classification: Likely pathogenic for Mowat-Wilson syndrome. Last evaluated: 2013-12-10. Review status: criteria provided, single submitter. Criteria: Lee et al. (JAMA. 2014). Collection method: clinical testing. Allele origin: de novo. Inheritance: Autosomal dominant inheritance. Affected: yes. Study: CES.

NM_014795.4(ZEB2):c.2180del (p.Leu727fs)

Gene: ZEB2 (zinc finger E-box binding homeobox 2; minus strand). Cytogenetic location: 2q22.3.
Variant type: Deletion.
Coding change: c.2180del on transcript NM_014795.4 (MANE Select); coding-DNA position 2180, one base deleted (T; older notation c.2180delT).
Protein change: p.Leu727fs; shifts the reading frame from leucine 727.
Molecular consequence: frameshift variant.
Genome position (GRCh38, 1-based): chr2:144,399,007, A deleted on the plus strand (T on the coding strand, the reverse complement: ZEB2 is on the minus strand); the first of 3 consecutive A bases (chr2:144,399,007-144,399,009); deleting any one gives the same sequence. VCF-style (leftmost placement, unchanged base first): chr2-144399006-TA-T. GRCh37 (hg19) VCF-style: chr2-145156573-TA-T.
Other names: c.2180del (NM_014795.3); c.2180delT (NM_014795.3); c.2108del, p.Leu703fs (NM_001171653.2); short protein forms L727fs, L703fs.
Identifiers: ClinVar variation 217030 (VCV000217030.3), dbSNP rs786204810, ClinGen allele CA279049.